The following is an entry in ClinVar:

NM_001004334.4(GPR179):c.3970G>A (p.Glu1324Lys)

Gene: GPR179 (G protein-coupled receptor 179; minus strand). Cytogenetic location: 17q12.
Variant type: single nucleotide variant.
Coding change: c.3970G>A on transcript NM_001004334.4 (MANE Select); coding-DNA position 3970, G replaced by A.
Protein change: p.Glu1324Lys; replaces glutamic acid 1324 with lysine.
Molecular consequence: missense variant.
Genome position (GRCh38, 1-based): chr17:38,329,599, C>T on the plus strand (G>A on the coding strand, the complement: GPR179 is on the minus strand). VCF-style: chr17-38329599-C-T. GRCh37 (hg19) VCF-style: chr17-36485482-C-T.
Other names: c.3970G>A (NM_001004334.2); short protein forms E1324K.
Identifiers: ClinVar variation 498011 (VCV000498011.11), dbSNP rs201039021, ClinGen allele CA290104537.

ClinVar aggregate classification (germline): Uncertain significance. Review status: criteria provided, multiple submitters, no conflicts (2 of 4 stars). 4 submissions from 4 submitters: Uncertain significance (4). Last evaluated 2024-11-15.

Conditions:
Inborn genetic diseases. Identifiers: MedGen C0950123, MeSH D030342.

Allele frequency attached by ClinVar (database versions not stated): ExAC 0.00012; gnomAD exomes 0.00015 and 0.00036; 1000 Genomes Project 30x 0.00016; ESP Exome Variant Server 0.00016; TOPMed 0.00022; gnomAD 0.00025 and 0.00027.
gnomAD v4.1: 547 of 1,614,074 alleles (0.034%); highest among the groups gnomAD compares: Non-Finnish European, 0.045%; no homozygotes.

Submissions (4):

Blueprint Genetics
Classification: Uncertain significance. Last evaluated: 2024-11-15. Review status: criteria provided, single submitter. Criteria: ACMG Guidelines, 2015. Collection method: clinical testing. Allele origin: germline.

Ambry Genetics
Classification: Uncertain significance for Inborn genetic diseases. Last evaluated: 2024-10-11. Review status: criteria provided, single submitter. Criteria: Ambry Variant Classification Scheme 2023. Collection method: clinical testing. Allele origin: germline.

Labcorp Genetics (formerly Invitae), Labcorp
Classification: Uncertain significance. Last evaluated: 2022-09-01. Review status: criteria provided, single submitter. Criteria: Invitae Variant Classification Sherloc (09022015). Collection method: clinical testing. Allele origin: germline.
Comment: This sequence change replaces glutamic acid, which is acidic and polar, with lysine, which is basic and polar, at codon 1324 of the GPR179 protein (p.Glu1324Lys). This variant is present in population databases (rs201039021, gnomAD 0.03%). This variant has not been reported in the literature in individuals affected with GPR179-related conditions. ClinVar contains an entry for this variant (Variation ID: 498011). Algorithms developed to predict the effect of missense changes on protein structure and function are either unavailable or do not agree on the potential impact of this missense change (SIFT: "Deleterious"; PolyPhen-2: "Probably Damaging"; Align-GVGD: "Class C0"). In summary, the available evidence is currently insufficient to determine the role of this variant in disease. Therefore, it has been classified as a Variant of Uncertain Significance.

Eurofins Ntd Llc (ga)
Classification: Uncertain significance. Last evaluated: 2016-11-08. Review status: criteria provided, single submitter. Criteria: EGL Classification Definitions 2015. Collection method: clinical testing. Allele origin: germline. Observed: 1 variant allele, 1 heterozygote.